The following is an entry in ClinVar:

ClinVar aggregate classification (germline): Pathogenic. Review status: reviewed by expert panel (3 of 4 stars). 3 submissions from 3 submitters: Pathogenic (1). 2 of the submissions do not count toward it. Last evaluated 2020-09-06.

Conditions:
Glanzmann thrombasthenia 2. Also called: BLEEDING DISORDER, PLATELET-TYPE, 23. Identifiers: MedGen C5543273, MONDO:0031009, OMIM 619267.
Glanzmann thrombasthenia. Also called: BLEEDING DISORDER, PLATELET-TYPE, 2; THROMBASTHENIA OF GLANZMANN AND NAEGELI; PLATELET GLYCOPROTEIN IIb-IIIa DEFICIENCY; Thrombasthenia; Glanzmann's thrombasthenia. Identifiers: Orphanet 849, MedGen C0040015, MONDO:0100326.

Allele frequency attached by ClinVar (database versions not stated): ExAC 0.00001.
gnomAD v4.1: 6 of 1,614,240 alleles (0.00037%); highest among the groups gnomAD compares: Non-Finnish European, 0.00051%; no homozygotes.

Submissions (3):

ClinGen Platelet Disorders Variant Curation Expert Panel, ClinGen
Classification: Pathogenic for Glanzmann thrombasthenia. Last evaluated: 2020-09-06. Review status: reviewed by expert panel. Criteria: ClinGen Platelet ACMG Specifications v2. Collection method: curation. Allele origin: germline. Inheritance: Autosomal recessive inheritance.
Comment: The NM_000212.3:c.1801T>C variant in the ITGB3 gene predicts the missense change, Cys601Arg. This variant is absent from gnomAD v2.1.1 and v3 and meets criteria for PM2. It is reported in at least 4 GT patients (2 homozygous and 2 compound heterozygous), meeting the GT phenotype criteria (PMID: 12083483 and 25728920). Two additional family members who also showed the GT phenotype were found to be homozygous for this variant. The REVEL score for this variant is high (0.986), meeting PP3. The variant occurs at the same residue at which another missense variant, Cys601Gly has also been reported. In summary, this variant meets criteria to be classified as pathogenic. GT-specific criteria met: PM2_Supporting, PM3, PP1_Moderate, PP4_Strong, PP3.

Labcorp Genetics (formerly Invitae), Labcorp
Classification: Pathogenic. Last evaluated: 2026-01-22. Review status: criteria provided, single submitter. Criteria: Invitae Variant Classification Sherloc (09022015). Collection method: clinical testing. Allele origin: germline. Not counted in ClinVar's aggregate classification.
Comment: This sequence change replaces cysteine, which is neutral and slightly polar, with arginine, which is basic and polar, at codon 601 of the ITGB3 protein (p.Cys601Arg). This variant is present in population databases (rs747534508, gnomAD 0.002%). This missense change has been observed in individuals with Glanzmann thrombasthenia (PMID: 12083483, 25728920). This variant is also known as p.Cys575Arg. ClinVar contains an entry for this variant (Variation ID: 1210194). Invitae Evidence Modeling of protein sequence and biophysical properties (such as structural, functional, and spatial information, amino acid conservation, physicochemical variation, residue mobility, and thermodynamic stability) indicates that this missense variant is expected to disrupt ITGB3 protein function with a positive predictive value of 95%. This variant disrupts the p.Cys601 amino acid residue in ITGB3. Other variant(s) that disrupt this residue have been observed in individuals with ITGB3-related conditions (PMID: 16879215), which suggests that this may be a clinically significant amino acid residue. For these reasons, this variant has been classified as Pathogenic.

Women's Health and Genetics/Laboratory Corporation of America, LabCorp
Classification: Pathogenic for Glanzmann thrombasthenia 2. Last evaluated: 2024-10-22. Review status: criteria provided, single submitter. Criteria: LabCorp Variant Classification Summary - May 2015. Collection method: clinical testing. Allele origin: germline. Not counted in ClinVar's aggregate classification.
Comment: Variant summary: ITGB3 c.1801T>C (p.Cys601Arg), also reported as C575R, results in a non-conservative amino acid change located in the EGF-like domain, extracellular domain (IPR013111) of the encoded protein sequence. Five of five in-silico tools predict a damaging effect of the variant on protein function. The variant allele was found at a frequency of 8e-06 in 251464 control chromosomes. c.1801T>C has been reported in the literature in the compound heterozygous or homozygous state in multiple individuals affected with Glanzmann Thrombasthenia (example, D'Andrea_2002, Nurden_2015, Pillois_2016). These data indicate that the variant is very likely to be associated with disease. To our knowledge, no experimental evidence demonstrating an impact on protein function has been reported. The following publications have been ascertained in the context of this evaluation (PMID: 12083483, 25728920, 27469266). ClinVar contains an entry for this variant (Variation ID: 1210194). Based on the evidence outlined above, the variant was classified as pathogenic.

Literature cited by the submitters: PubMed 12083483 (cited by Labcorp Genetics (formerly Invitae), Labcorp and Women's Health and Genetics/Laboratory Corporation of America, LabCorp); PubMed 25728920 (cited by Labcorp Genetics (formerly Invitae), Labcorp and Women's Health and Genetics/Laboratory Corporation of America, LabCorp); PubMed 16879215 (cited by Labcorp Genetics (formerly Invitae), Labcorp); PubMed 27469266 (cited by Women's Health and Genetics/Laboratory Corporation of America, LabCorp).

NM_000212.3(ITGB3):c.1801T>C (p.Cys601Arg)

Gene: ITGB3 (integrin subunit beta 3; plus strand). Cytogenetic location: 17q21.32.
Variant type: single nucleotide variant.
Coding change: c.1801T>C on transcript NM_000212.3 (MANE Select); coding-DNA position 1801, T replaced by C.
Protein change: p.Cys601Arg; replaces cysteine 601 with arginine.
Molecular consequence: missense variant.
Genome position (GRCh38, 1-based): chr17:47,299,418, T>C. VCF-style: chr17-47299418-T-C. GRCh37 (hg19) VCF-style: chr17-45376784-T-C.
Other names: short protein forms C601R.
Identifiers: ClinVar variation 1210194 (VCV001210194.5), dbSNP rs747534508, ClinGen allele CA8623361.